The following is an entry in ClinVar:

ClinVar aggregate classification (germline): Conflicting classifications of pathogenicity. Review status: criteria provided, conflicting classifications (1 of 4 stars). 3 submissions from 3 submitters: Uncertain significance (2); Likely benign (1). Last evaluated 2024-07-31.

Conditions:
Inborn genetic diseases. Identifiers: MedGen C0950123, MeSH D030342.

Allele frequency attached by ClinVar (database versions not stated): ExAC 0.00001; gnomAD 0.00001; gnomAD exomes 0.00003; TOPMed 0.00003.
gnomAD v4.1: 18 of 1,614,108 alleles (0.0011%); highest among the groups gnomAD compares: Admixed American, 0.0033%; no homozygotes.

Submissions (3):

Labcorp Genetics (formerly Invitae), Labcorp
Classification: Uncertain significance. Last evaluated: 2024-07-31. Review status: criteria provided, single submitter. Criteria: Invitae Variant Classification Sherloc (09022015). Collection method: clinical testing. Allele origin: germline.
Comment: This sequence change replaces glutamic acid, which is acidic and polar, with aspartic acid, which is acidic and polar, at codon 304 of the UMOD protein (p.Glu304Asp). This variant is present in population databases (rs775514445, gnomAD 0.006%). This variant has not been reported in the literature in individuals affected with UMOD-related conditions. ClinVar contains an entry for this variant (Variation ID: 2581814). Advanced modeling of protein sequence and biophysical properties (such as structural, functional, and spatial information, amino acid conservation, physicochemical variation, residue mobility, and thermodynamic stability) has been performed at Invitae for this missense variant, however the output from this modeling did not meet the statistical confidence thresholds required to predict the impact of this variant on UMOD protein function. In summary, the available evidence is currently insufficient to determine the role of this variant in disease. Therefore, it has been classified as a Variant of Uncertain Significance.

Ambry Genetics
Classification: Likely benign for Inborn genetic diseases. Last evaluated: 2024-07-26. Review status: criteria provided, single submitter. Criteria: Ambry Variant Classification Scheme 2023. Collection method: clinical testing. Allele origin: germline.

GeneDx
Classification: Uncertain significance. Last evaluated: 2023-03-28. Review status: criteria provided, single submitter. Criteria: GeneDx Variant Classification Process June 2021. Collection method: clinical testing. Allele origin: germline. Affected: yes.
Comment: In silico analysis supports that this missense variant does not alter protein structure/function; Has not been previously published as pathogenic or benign to our knowledge

NM_003361.4(UMOD):c.912G>C (p.Glu304Asp)

Gene: UMOD (uromodulin; minus strand). Cytogenetic location: 16p12.3.
Variant type: single nucleotide variant.
Coding change: c.912G>C on transcript NM_003361.4 (MANE Select); coding-DNA position 912, G replaced by C.
Protein change: p.Glu304Asp; replaces glutamic acid 304 with aspartic acid.
Molecular consequence: missense variant. On other transcripts: non-coding transcript variant (1).
Genome position (GRCh38, 1-based): chr16:20,348,284, C>G on the plus strand (G>C on the coding strand, the complement: UMOD is on the minus strand). VCF-style: chr16-20348284-C-G. GRCh37 (hg19) VCF-style: chr16-20359606-C-G.
Other names: c.912G>C, p.Glu304Asp (NM_001008389.3, NM_001378232.1, NM_001378233.1 and 3 more transcripts); c.1011G>C, p.Glu337Asp (NM_001278614.2); short protein forms E304D, E337D.
Identifiers: ClinVar variation 2581814 (VCV002581814.4), dbSNP rs775514445, ClinGen allele CA7939361.
Genomic context (GRCh38, chr16:20,348,284, plus strand): 5'-AGTGATGTTGAAGTCCTGTTTGCACTGGCAGTGCCATCTGCCATTATTCGATTTGCAGTC[C>G]TCGTCTATACTGCACTCCTCACACGTCCCCTCCACGGAGCTGGGGTCTGCAGGGTCACAG-3'
Protein context (NP_003352.2, residues 294-314): EGTCEECSID[Glu304Asp]DCKSNNGRWH